The following is an entry in ClinVar:

NM_001376.5(DYNC1H1):c.10634C>T (p.Thr3545Ile)

Gene: DYNC1H1 (dynein cytoplasmic 1 heavy chain 1; plus strand). Cytogenetic location: 14q32.31.
Variant type: single nucleotide variant.
Coding change: c.10634C>T on transcript NM_001376.5 (MANE Select); coding-DNA position 10634, C replaced by T.
Protein change: p.Thr3545Ile; replaces threonine 3545 with isoleucine.
Molecular consequence: missense variant.
Genome position (GRCh38, 1-based): chr14:102,034,332, C>T. VCF-style: chr14-102034332-C-T. GRCh37 (hg19) VCF-style: chr14-102500669-C-T.
Other names: short protein forms T3545I.
Identifiers: ClinVar variation 4802075 (VCV004802075.1).

ClinVar aggregate classification (germline): Uncertain significance (1 of 4 stars; one submission).

Conditions:
Charcot-Marie-Tooth disease axonal type 2O. Also called: CHARCOT-MARIE-TOOTH NEUROPATHY, AXONAL, TYPE 2O; CHARCOT-MARIE-TOOTH DISEASE, AXONAL, AUTOSOMAL DOMINANT, TYPE 2O; Charcot-Marie-Tooth Neuropathy Type 2O; Charcot-Marie-Tooth disease, axonal, type 20. Identifiers: Orphanet 284232, MedGen C3280220, MONDO:0013644, OMIM 614228.

Submission:

Labcorp Genetics (formerly Invitae), Labcorp
Classification: Uncertain significance for Charcot-Marie-Tooth disease axonal type 2O. Last evaluated: 2025-03-05. Review status: criteria provided, single submitter. Criteria: Invitae Variant Classification Sherloc (09022015). Collection method: clinical testing. Allele origin: germline.
Comment: This sequence change replaces threonine, which is neutral and polar, with isoleucine, which is neutral and non-polar, at codon 3545 of the DYNC1H1 protein (p.Thr3545Ile). This variant is not present in population databases (gnomAD no frequency). This variant has not been reported in the literature in individuals affected with DYNC1H1-related conditions. Invitae Evidence Modeling of protein sequence and biophysical properties (such as structural, functional, and spatial information, amino acid conservation, physicochemical variation, residue mobility, and thermodynamic stability) indicates that this missense variant is not expected to disrupt DYNC1H1 protein function with a negative predictive value of 95%. In summary, the available evidence is currently insufficient to determine the role of this variant in disease. Therefore, it has been classified as a Variant of Uncertain Significance.